The following is an entry in ClinVar:

NM_001166108.2(PALLD):c.3209G>C (p.Ser1070Thr)

Genes: CBR4 (carbonyl reductase 4; minus strand), PALLD (palladin, cytoskeletal associated protein; plus strand). Cytogenetic location: 4q32.3.
Variant type: single nucleotide variant.
Coding change: c.3209G>C on transcript NM_001166108.2 (MANE Select); coding-DNA position 3209, G replaced by C.
Protein change: p.Ser1070Thr; replaces serine 1070 with threonine.
Molecular consequence: missense variant.
Genome position (GRCh38, 1-based): chr4:168,924,405, G>C. VCF-style: chr4-168924405-G-C. GRCh37 (hg19) VCF-style: chr4-169845556-G-C.
Other names: c.2012G>C, p.Ser671Thr (NM_001166109.2); c.1697G>C, p.Ser566Thr (NM_001166110.2); c.1037G>C, p.Ser346Thr (NM_001367567.1, NM_001367569.1); c.1088G>C, p.Ser363Thr (NM_001367568.1, NM_001367570.1); c.3158G>C, p.Ser1053Thr (NM_016081.4); short protein forms S346T, S1053T, S1070T, S566T, S363T, S671T.
Identifiers: ClinVar variation 1728254 (VCV001728254.2), dbSNP rs2534253429, ClinGen allele CA358713006.

ClinVar aggregate classification (germline): Uncertain significance (1 of 4 stars; one submission).

Submission:

Ambry Genetics
Classification: Uncertain significance. Last evaluated: 2022-07-27. Review status: criteria provided, single submitter. Criteria: Ambry Variant Classification Scheme 2023. Collection method: clinical testing. Allele origin: germline.
Comment: The p.S1053T variant (also known as c.3158G>C), located in coding exon 17 of the PALLD gene, results from a G to C substitution at nucleotide position 3158. The serine at codon 1053 is replaced by threonine, an amino acid with similar properties. This amino acid position is conserved. In addition, this alteration is predicted to be tolerated by in silico analysis. Since supporting evidence is limited at this time, the clinical significance of this alteration remains unclear.